The following is an entry in ClinVar:

NM_022552.5(DNMT3A):c.51G>A (p.Ala17=)

Gene: DNMT3A (DNA methyltransferase 3 alpha; minus strand). Cytogenetic location: 2p23.3.
Variant type: single nucleotide variant.
Coding change: c.51G>A on transcript NM_022552.5 (MANE Select); coding-DNA position 51, G replaced by A.
Protein change: p.Ala17=; no amino-acid change (alanine 17 retained).
Molecular consequence: synonymous variant. On other transcripts: non-coding transcript variant (1).
Genome position (GRCh38, 1-based): chr2:25,313,934, C>T on the plus strand (G>A on the coding strand, the complement: DNMT3A is on the minus strand). VCF-style: chr2-25313934-C-T. GRCh37 (hg19) VCF-style: chr2-25536803-C-T.
Other names: c.51G>A, p.Ala17= (NM_001320892.2, NM_175629.2, NM_175630.1).
Identifiers: ClinVar variation 1129809 (VCV001129809.16), dbSNP rs1055980301, ClinGen allele CA44279228.

ClinVar aggregate classification (germline): Likely benign. Review status: criteria provided, multiple submitters, no conflicts (2 of 4 stars). 3 submissions from 3 submitters: Likely benign (2). 1 of the submissions does not count toward it. Last evaluated 2025-09-01.

Conditions:
Tatton-Brown-Rahman overgrowth syndrome. Also called: Tall stature-intellectual disability-facial dysmorphism syndrome; Tatton-Brown-Rahman syndrome. Identifiers: Orphanet 404443, MedGen C4014545, MONDO:0014382, OMIM 615879.
DNMT3A-related disorder. Also called: DNMT3A-related condition; DNMT3A-related disorders.

Allele frequency attached by ClinVar (database versions not stated): gnomAD exomes 0.00001; gnomAD 0.00002; TOPMed 0.00002.
gnomAD v4.1: 32 of 1,549,826 alleles (0.0021%); highest among the groups gnomAD compares: Non-Finnish European, 0.0026%; no homozygotes.

Submissions (3):

CeGaT Center for Human Genetics Tuebingen
Classification: Likely benign. Last evaluated: 2025-09-01. Review status: criteria provided, single submitter. Criteria: CeGaT Center For Human Genetics Tuebingen Variant Classification Criteria Version 2. Collection method: clinical testing. Allele origin: germline. Affected: yes. Observed: 1 variant allele.
Comment: DNMT3A: BP4, BP7

Labcorp Genetics (formerly Invitae), Labcorp
Classification: Likely benign for Tatton-Brown-Rahman overgrowth syndrome. Last evaluated: 2025-03-20. Review status: criteria provided, single submitter. Criteria: Invitae Variant Classification Sherloc (09022015). Collection method: clinical testing. Allele origin: germline.

PreventionGenetics, part of Exact Sciences
Classification: Likely benign for DNMT3A-related condition. Last evaluated: 2021-08-09. Review status: no assertion criteria provided. Collection method: clinical testing. Allele origin: germline. Not counted in ClinVar's aggregate classification.
Comment: This variant is classified as likely benign based on ACMG/AMP sequence variant interpretation guidelines (Richards et al. 2015 PMID: 25741868, with internal and published modifications).